The following is an entry in ClinVar:

NM_003803.4(MYOM1):c.3863C>T (p.Pro1288Leu)

Gene: MYOM1 (myomesin 1; minus strand). Cytogenetic location: 18p11.31.
Variant type: single nucleotide variant.
Coding change: c.3863C>T on transcript NM_003803.4 (MANE Select); coding-DNA position 3863, C replaced by T.
Protein change: p.Pro1288Leu; replaces proline 1288 with leucine.
Molecular consequence: missense variant.
Genome position (GRCh38, 1-based): chr18:3,094,171, G>A on the plus strand (C>T on the coding strand, the complement: MYOM1 is on the minus strand). VCF-style: chr18-3094171-G-A. GRCh37 (hg19) VCF-style: chr18-3094169-G-A.
Other names: c.3575C>T, p.Pro1192Leu (NM_019856.2); short protein forms P1288L, P1192L.
Identifiers: ClinVar variation 504857 (VCV000504857.20), dbSNP rs200808890, ClinGen allele CA8874149.

ClinVar aggregate classification (germline): Uncertain significance. Review status: criteria provided, multiple submitters, no conflicts (2 of 4 stars). 3 submissions from 3 submitters: Uncertain significance (3). Last evaluated 2026-01-06.

Conditions:
Hypertrophic cardiomyopathy. Also called: HYPERTROPHIC MYOCARDIOPATHY. Identifiers: Orphanet 217569, MedGen C0007194, MeSH D002312, MONDO:0005045, HP:0001639.

Allele frequency attached by ClinVar (database versions not stated): gnomAD exomes 0.00005 and 0.00006; ExAC 0.00007; ESP Exome Variant Server 0.00008; gnomAD 0.00015 and 0.00017; TOPMed 0.00019.
gnomAD v4.1: 99 of 1,613,592 alleles (0.0061%); highest among the groups gnomAD compares: African/African-American, 0.055%; no homozygotes.

Submissions (3):

Labcorp Genetics (formerly Invitae), Labcorp
Classification: Uncertain significance for Hypertrophic cardiomyopathy. Last evaluated: 2026-01-06. Review status: criteria provided, single submitter. Criteria: Invitae Variant Classification Sherloc (09022015). Collection method: clinical testing. Allele origin: germline.
Comment: This sequence change replaces proline, which is neutral and non-polar, with leucine, which is neutral and non-polar, at codon 1288 of the MYOM1 protein (p.Pro1288Leu). This variant is present in population databases (rs200808890, gnomAD 0.05%). This variant has not been reported in the literature in individuals affected with MYOM1-related conditions. ClinVar contains an entry for this variant (Variation ID: 504857). An algorithm developed to predict the effect of missense changes on protein structure and function (PolyPhen-2) suggests that this variant is likely to be disruptive. In summary, the available evidence is currently insufficient to determine the role of this variant in disease. Therefore, it has been classified as a Variant of Uncertain Significance.

Ambry Genetics
Classification: Uncertain significance. Last evaluated: 2025-08-06. Review status: criteria provided, single submitter. Criteria: Ambry Variant Classification Scheme 2023. Collection method: clinical testing. Allele origin: germline.
Comment: The p.P1288L variant (also known as c.3863C>T), located in coding exon 25 of the MYOM1 gene, results from a C to T substitution at nucleotide position 3863. The proline at codon 1288 is replaced by leucine, an amino acid with similar properties. This amino acid position is conserved. In addition, this alteration is predicted to be tolerated by in silico analysis. Since supporting evidence is limited at this time, the clinical significance of this alteration remains unclear.

Laboratory for Molecular Medicine, Mass General Brigham Personalized Medicine
Classification: Uncertain significance. Last evaluated: 2016-06-16. Review status: criteria provided, single submitter. Criteria: LMM Criteria. Collection method: clinical testing. Allele origin: germline. Observed: 2 variant alleles.
Comment: The p.Pro1288Leu variant in MYOM1 has not been previously reported in individual s with cardiomyopathy, but has been identified in 5/9782 African chromosomes by the Exome Aggregation Consortium (ExAC; dbSNP rs 200808890). Computational prediction tools and conservation analysis suggest tha t the p.Pro1288Leu variant may impact the protein, though this information is no t predictive enough to determine pathogenicity. This variant is located in the l ast three bases of the exon, which is part of the 5? splice region. Computationa l tools do not suggest an impact to splicing. However, this information is not p redictive enough to rule out pathogenicity. In summary, the clinical significanc e of the p.Pro1288Leu variant is uncertain.